The following is an entry in ClinVar:

ClinVar aggregate classification (germline): Conflicting classifications of pathogenicity. Review status: criteria provided, conflicting classifications (1 of 4 stars). 3 submissions from 3 submitters: Uncertain significance (2); Likely benign (1). Last evaluated 2023-12-21.

Conditions:
Inborn genetic diseases. Identifiers: MedGen C0950123, MeSH D030342.
Spastic paraplegia. Identifiers: MedGen C0037772, HP:0001258.
Charlevoix-Saguenay spastic ataxia (SACS). Also called: SPASTIC ATAXIA 6, AUTOSOMAL RECESSIVE; AUTOSOMAL RECESSIVE SPASTIC ATAXIA OF CHARLEVOIX-SAGUENAY; Spastic ataxia of Charlevoix-Saguenay. Identifiers: Orphanet 98, MedGen C1849140, MONDO:0010041, OMIM 270550.

Allele frequency attached by ClinVar (database versions not stated): ExAC 0.00001; gnomAD 0.00001; gnomAD exomes 0.00001; TOPMed 0.00002.
gnomAD v4.1: 16 of 1,613,664 alleles (0.00099%); highest among the groups gnomAD compares: Non-Finnish European, 0.0013%; no homozygotes.

Submissions (3):

Ambry Genetics
Classification: Likely benign for Inborn genetic diseases. Last evaluated: 2023-12-21. Review status: criteria provided, single submitter. Criteria: Ambry Variant Classification Scheme 2023. Collection method: clinical testing. Allele origin: germline.

Revvity Omics, Revvity
Classification: Uncertain significance for Charlevoix-Saguenay spastic ataxia. Last evaluated: 2021-11-30. Review status: criteria provided, single submitter. Criteria: ACMG Guidelines, 2015. Collection method: clinical testing. Allele origin: germline.

Labcorp Genetics (formerly Invitae), Labcorp
Classification: Uncertain significance for Spastic paraplegia. Last evaluated: 2021-09-17. Review status: criteria provided, single submitter. Criteria: Invitae Variant Classification Sherloc (09022015). Collection method: clinical testing. Allele origin: germline.
Comment: This sequence change replaces alanine with threonine at codon 3376 of the SACS protein (p.Ala3376Thr). The alanine residue is weakly conserved and there is a small physicochemical difference between alanine and threonine. This variant is present in population databases (rs761454766, ExAC 0.002%). This variant has not been reported in the literature in individuals with SACS-related conditions. Advanced modeling of protein sequence and biophysical properties (such as structural, functional, and spatial information, amino acid conservation, physicochemical variation, residue mobility, and thermodynamic stability) performed at Invitae indicates that this missense variant is not expected to disrupt SACS protein function. In summary, the available evidence is currently insufficient to determine the role of this variant in disease. Therefore, it has been classified as a Variant of Uncertain Significance.

NM_014363.6(SACS):c.10126G>A (p.Ala3376Thr)

Gene: SACS (sacsin molecular chaperone; minus strand). Cytogenetic location: 13q12.12.
Variant type: single nucleotide variant.
Coding change: c.10126G>A on transcript NM_014363.6 (MANE Select); coding-DNA position 10126, G replaced by A.
Protein change: p.Ala3376Thr; replaces alanine 3376 with threonine.
Molecular consequence: missense variant.
Genome position (GRCh38, 1-based): chr13:23,333,750, C>T on the plus strand (G>A on the coding strand, the complement: SACS is on the minus strand). VCF-style: chr13-23333750-C-T. GRCh37 (hg19) VCF-style: chr13-23907889-C-T.
Other names: c.10126G>A (NM_014363.4); c.9685G>A, p.Ala3229Thr (NM_001278055.2); short protein forms A3229T, A3376T.
Identifiers: ClinVar variation 2061805 (VCV002061805.5), dbSNP rs761454766, ClinGen allele CA6910496.